The following is an entry in ClinVar:

ClinVar aggregate classification (germline): Uncertain significance (1 of 4 stars; one submission).

Submission:

Labcorp Genetics (formerly Invitae), Labcorp
Classification: Uncertain significance. Last evaluated: 2025-03-29. Review status: criteria provided, single submitter. Criteria: Invitae Variant Classification Sherloc (09022015). Collection method: clinical testing. Allele origin: germline.
Comment: This sequence change falls in intron 2 of the LZTS1 gene. It does not directly change the encoded amino acid sequence of the LZTS1 protein. This variant is present in population databases (rs761432081, gnomAD 0.0008%). This variant has not been reported in the literature in individuals affected with LZTS1-related conditions. Algorithms developed to predict the effect of sequence changes on RNA splicing suggest that this variant may disrupt the consensus splice site. In summary, the available evidence is currently insufficient to determine the role of this variant in disease. Therefore, it has been classified as a Variant of Uncertain Significance.

NM_021020.5(LZTS1):c.1150-5G>A

Gene: LZTS1 (leucine zipper tumor suppressor 1; minus strand). Cytogenetic location: 8p21.3.
Variant type: single nucleotide variant.
Coding change: c.1150-5G>A on transcript NM_021020.5 (MANE Select); 5 bases into the intron before coding-DNA position 1150, G replaced by A.
Molecular consequence: intron variant.
Genome position (GRCh38, 1-based): chr8:20,250,368, C>T on the plus strand (G>A on the coding strand, the complement: LZTS1 is on the minus strand). VCF-style: chr8-20250368-C-T. GRCh37 (hg19) VCF-style: chr8-20107879-C-T.
Other names: c.1150-5G>A (NM_001362884.2).
Identifiers: ClinVar variation 4708908 (VCV004708908.1).